The following is an entry in ClinVar:

NM_013275.6(ANKRD11):c.4833G>A (p.Leu1611=)

Gene: ANKRD11 (ankyrin repeat domain containing 11; minus strand). Cytogenetic location: 16q24.3.
Variant type: single nucleotide variant.
Coding change: c.4833G>A on transcript NM_013275.6 (MANE Select); coding-DNA position 4833, G replaced by A.
Protein change: p.Leu1611=; no amino-acid change (leucine 1611 retained).
Molecular consequence: synonymous variant.
Genome position (GRCh38, 1-based): chr16:89,281,709, C>T on the plus strand (G>A on the coding strand, the complement: ANKRD11 is on the minus strand). VCF-style: chr16-89281709-C-T. GRCh37 (hg19) VCF-style: chr16-89348117-C-T.
Other names: c.4833G>A, p.Leu1611= (NM_001256182.2, NM_001256183.2).
Identifiers: ClinVar variation 3045885 (VCV003045885.2), dbSNP rs1411662176, ClinGen allele CA497374193.
Genomic context (GRCh38, chr16:89,281,709, plus strand): 5'-CCGCCCGTCGTCTGCCGGCTTCGCCTTCTCCTTGAGCTTGGGGTCTCCGGACCGGTGCCT[C>T]AGCTTCTCCATTTGCTTCATCCTCTCCTTGTGCCGCTTGTGGCGCTCCTCGATCTCCAGG-3'
Protein context (NP_037407.4, residues 1601-1621): HKERMKQMEK[Leu1611=]RHRSGDPKLK

ClinVar aggregate classification (germline): Likely benign (0 of 4 stars; one submission).

Conditions:
ANKRD11-related disorder. Also called: ANKRD11-related condition.

Allele frequency attached by ClinVar (database versions not stated): TOPMed 0.00001.
gnomAD v4.1: 1 of 1,614,160 alleles (0.000062%); highest among the groups gnomAD compares: African/African-American, 0.0013%; no homozygotes.

Submission:

PreventionGenetics, part of Exact Sciences
Classification: Likely benign for ANKRD11-related condition. Last evaluated: 2022-09-15. Review status: no assertion criteria provided. Collection method: clinical testing. Allele origin: germline.
Comment: This variant is classified as likely benign based on ACMG/AMP sequence variant interpretation guidelines (Richards et al. 2015 PMID: 25741868, with internal and published modifications).